The following is an entry in ClinVar:

NM_002439.5(MSH3):c.513del (p.Asp171fs)

Gene: MSH3 (mutS homolog 3; plus strand). Cytogenetic location: 5q14.1.
Variant type: Deletion.
Coding change: c.513del on transcript NM_002439.5 (MANE Select); coding-DNA position 513, one base deleted (T; older notation c.513delT).
Protein change: p.Asp171fs; shifts the reading frame from aspartic acid 171.
Molecular consequence: frameshift variant.
Genome position (GRCh38, 1-based): chr5:80,665,297, T deleted. VCF-style (leftmost placement, unchanged base first): chr5-80665296-AT-A. GRCh37 (hg19) VCF-style: chr5-79961115-AT-A.
Other names: c.513delT (NM_002439.3); short protein forms D171fs.
Identifiers: ClinVar variation 843022 (VCV000843022.10), dbSNP rs1749544783, ClinGen allele CA916082725.

ClinVar aggregate classification (germline): Pathogenic. Review status: criteria provided, multiple submitters, no conflicts (2 of 4 stars). 3 submissions from 3 submitters: Pathogenic (3). Last evaluated 2026-08-11.

Conditions:
Familial adenomatous polyposis 4 (FAP4). Also called: MSH3-related attenuated familial adenomatous polyposis. Identifiers: Orphanet 480536, MedGen C4310719, MONDO:0044300, OMIM 617100.
Hereditary cancer-predisposing syndrome. Also called: Hereditary Cancer Syndrome; Neoplastic Syndromes, Hereditary; Hereditary neoplastic syndrome; Tumor predisposition. Identifiers: Orphanet 140162, MedGen C0027672, MeSH D009386, MONDO:0015356.

Submissions (3):

Myriad Genetics, Inc.
Classification: Pathogenic for Familial adenomatous polyposis 4. Last evaluated: 2026-08-11. Review status: criteria provided, single submitter. Criteria: Myriad Autosomal Dominant, Autosomal Recessive and X-Linked Classification Criteria (2023). Collection method: clinical testing. Allele origin: unknown.
Comment: This variant is considered pathogenic. This variant creates a frameshift predicted to result in premature protein truncation.

Labcorp Genetics (formerly Invitae), Labcorp
Classification: Pathogenic. Last evaluated: 2024-01-05. Review status: criteria provided, single submitter. Criteria: Invitae Variant Classification Sherloc (09022015). Collection method: clinical testing. Allele origin: germline.
Comment: This sequence change creates a premature translational stop signal (p.Asp171Glufs*62) in the MSH3 gene. It is expected to result in an absent or disrupted protein product. Loss-of-function variants in MSH3 are known to be pathogenic (PMID: 27476653, 37402566). This variant is not present in population databases (gnomAD no frequency). This variant has not been reported in the literature in individuals affected with MSH3-related conditions. ClinVar contains an entry for this variant (Variation ID: 843022). For these reasons, this variant has been classified as Pathogenic.

Ambry Genetics
Classification: Pathogenic for Hereditary cancer-predisposing syndrome. Last evaluated: 2023-08-22. Review status: criteria provided, single submitter. Criteria: Ambry Variant Classification Scheme 2023. Collection method: clinical testing. Allele origin: germline.
Comment: The c.513delT pathogenic mutation, located in coding exon 3 of the MSH3 gene, results from a deletion of one nucleotide at nucleotide position 513, causing a translational frameshift with a predicted alternate stop codon (p.D171Efs*62). This variant is considered to be rare based on population cohorts in the Genome Aggregation Database (gnomAD). This alteration is expected to result in loss of function by premature protein truncation or nonsense-mediated mRNA decay. As such, this alteration is interpreted as a disease-causing mutation.

Literature cited by the submitters: PubMed 27476653 (cited by Labcorp Genetics (formerly Invitae), Labcorp); PubMed 37402566 (cited by Labcorp Genetics (formerly Invitae), Labcorp).